The following is an entry in ClinVar:

NC_000002.11:g.(?_227914764)_(227915894_?)del

Gene: COL4A4 (collagen type IV alpha 4 chain; minus strand). Cytogenetic location: 2q36.3.
Variant type: Deletion.
Identifiers: ClinVar variation 3247452 (VCV003247452.1).

ClinVar aggregate classification (germline): Pathogenic (1 of 4 stars; one submission).

Submission:

Labcorp Genetics (formerly Invitae), Labcorp
Classification: Pathogenic. Last evaluated: 2023-02-01. Review status: criteria provided, single submitter. Criteria: Invitae Variant Classification Sherloc (09022015). Collection method: clinical testing. Allele origin: unknown.
Comment: For these reasons, this variant has been classified as Pathogenic. This variant disrupts a region of the COL4A4 protein in which other variant(s) (p.Gly1057Val ) have been determined to be pathogenic (Invitae). This suggests that this is a clinically significant region of the protein, and that variants that disrupt it are likely to be disease-causing. This variant has not been reported in the literature in individuals affected with COL4A4-related conditions. This variant is a gross deletion of the genomic region encompassing exon(s) 33-34 of the COL4A4 gene. This variant would be expected to be in-frame, preserving the integrity of the reading frame.